The following is an entry in ClinVar:

NM_000051.4(ATM):c.1987T>C (p.Leu663=)

Gene: ATM (ATM serine/threonine kinase; plus strand). Cytogenetic location: 11q22.3.
Variant type: single nucleotide variant.
Coding change: c.1987T>C on transcript NM_000051.4 (MANE Select); coding-DNA position 1987, T replaced by C.
Protein change: p.Leu663=; no amino-acid change (leucine 663 retained).
Molecular consequence: synonymous variant.
Genome position (GRCh38, 1-based): chr11:108,253,902, T>C. VCF-style: chr11-108253902-T-C. GRCh37 (hg19) VCF-style: chr11-108124629-T-C.
Other names: c.1987T>C, p.Leu663= (NM_001351834.2).
Identifiers: ClinVar variation 3254435 (VCV003254435.1), dbSNP rs2080302535.

ClinVar aggregate classification (germline): Benign (1 of 4 stars; one submission).

Conditions:
Familial cancer of breast. Also called: BREAST CANCER, FAMILIAL; Hereditary breast cancer; hereditary breast carcinoma. Identifiers: Orphanet 227535, MedGen C0346153, MONDO:0016419, OMIM 114480. Disease mechanism: loss of function.

Allele frequency attached by ClinVar (database versions not stated): TOPMed below 0.00001.

Submission:

Myriad Genetics, Inc.
Classification: Benign for Familial cancer of breast. Last evaluated: 2024-05-02. Review status: criteria provided, single submitter. Criteria: Myriad Autosomal Dominant, Autosomal Recessive and X-Linked Classification Criteria (2023). Collection method: clinical testing. Allele origin: unknown.
Comment: This variant is considered benign. This variant is a silent/synonymous amino acid change and it is not expected to impact splicing.